The following is an entry in ClinVar:

ClinVar aggregate classification (germline): Conflicting classifications of pathogenicity. Review status: criteria provided, conflicting classifications (1 of 4 stars). 2 submissions from 2 submitters: Uncertain significance (1); Likely benign (1). Last evaluated 2026-07-16.

Conditions:
Inborn genetic diseases. Identifiers: MedGen C0950123, MeSH D030342.

Submissions (2):

Ambry Genetics
Classification: Uncertain significance for Inborn genetic diseases. Last evaluated: 2026-07-16. Review status: criteria provided, single submitter. Criteria: Ambry Variant Classification Scheme 2023. Collection method: clinical testing. Allele origin: germline.
Comment: The c.1183+5G>A intronic variant results from a G to A substitution 5 nucleotides after coding exon 3 in the MBD4 gene. This nucleotide position is well conserved in available vertebrate species. In silico splice site analysis predicts that this alteration will not have any significant effect on splicing. Based on the available evidence, the clinical significance of this variant remains unclear.

Labcorp Genetics (formerly Invitae), Labcorp
Classification: Likely benign. Last evaluated: 2025-12-01. Review status: criteria provided, single submitter. Criteria: Invitae Variant Classification Sherloc (09022015). Collection method: clinical testing. Allele origin: germline.

NM_001276270.2(MBD4):c.1183+5G>A

Gene: MBD4 (methyl-CpG binding domain 4, DNA glycosylase; minus strand). Cytogenetic location: 3q21.3.
Variant type: single nucleotide variant.
Coding change: c.1183+5G>A on transcript NM_001276270.2 (MANE Select); 5 bases into the intron after coding-DNA position 1183, G replaced by A.
Molecular consequence: intron variant. On other transcripts: synonymous variant (3).
Genome position (GRCh38, 1-based): chr3:129,436,456, C>T on the plus strand (G>A on the coding strand, the complement: MBD4 is on the minus strand). VCF-style: chr3-129436456-C-T. GRCh37 (hg19) VCF-style: chr3-129155299-C-T.
Other names: c.1188G>A, p.Glu396= (NM_001276271.2, NM_001276272.2, NM_003925.3); c.247+1352G>A (NM_001276273.2).
Identifiers: ClinVar variation 2749601 (VCV002749601.4), dbSNP rs781073235, ClinGen allele CA435615801.